The following is an entry in ClinVar:

ClinVar aggregate classification (germline): Conflicting classifications of pathogenicity. Review status: criteria provided, conflicting classifications (1 of 4 stars). 4 submissions from 4 submitters: Uncertain significance (3); Likely benign (1). Last evaluated 2026-02-01.

Conditions:
Dyskeratosis congenita, autosomal recessive 6 (DKCB6). Identifiers: MedGen C4225356, MONDO:0014600, OMIM 616353.
Pulmonary fibrosis and/or bone marrow failure, Telomere-related, 4. Also called: PULMONARY FIBROSIS AND/OR BONE MARROW FAILURE SYNDROME, TELOMERE-RELATED, 4. Identifiers: Orphanet 2032, MedGen C4225347, MONDO:0014612, OMIM 616371.

Allele frequency attached by ClinVar (database versions not stated): gnomAD 0.00020 and 0.00021; gnomAD exomes 0.00020 and 0.00022; TOPMed 0.00022; ExAC 0.00023; ESP Exome Variant Server 0.00033.
gnomAD v4.1: 360 of 1,613,682 alleles (0.022%); highest among the groups gnomAD compares: Middle Eastern, 0.082%; no homozygotes.

Submissions (4):

Labcorp Genetics (formerly Invitae), Labcorp
Classification: Uncertain significance for Dyskeratosis congenita, autosomal recessive 6; Pulmonary fibrosis and/or bone marrow failure, Telomere-related, 4. Last evaluated: 2026-02-01. Review status: criteria provided, single submitter. Criteria: Invitae Variant Classification Sherloc (09022015). Collection method: clinical testing. Allele origin: germline.
Comment: This sequence change replaces aspartic acid, which is acidic and polar, with glutamic acid, which is acidic and polar, at codon 595 of the PARN protein (p.Asp595Glu). This variant is present in population databases (rs200434143, gnomAD 0.03%). This missense change has been observed in individual(s) with common variable immunodeficiency (PMID: 37944684). ClinVar contains an entry for this variant (Variation ID: 581798). An algorithm developed to predict the effect of missense changes on protein structure and function outputs the following: PolyPhen-2: "Benign". The glutamic acid amino acid residue is found in multiple mammalian species, which suggests that this missense change does not adversely affect protein function. In summary, the available evidence is currently insufficient to determine the role of this variant in disease. Therefore, it has been classified as a Variant of Uncertain Significance.

Blueprint Genetics
Classification: Likely benign. Last evaluated: 2024-11-13. Review status: criteria provided, single submitter. Criteria: ACMG Guidelines, 2015. Collection method: clinical testing. Allele origin: germline.

Genetic Services Laboratory, University of Chicago
Classification: Uncertain significance. Last evaluated: 2020-07-14. Review status: criteria provided, single submitter. Criteria: ACMG Guidelines, 2015. Collection method: clinical testing. Allele origin: germline. Affected: no.

Breakthrough Genomics
Classification: Uncertain significance. Review status: criteria provided, single submitter. Criteria: ACMG Guidelines, 2015. Collection method: not provided. Allele origin: germline. Inheritance: Autosomal recessive inheritance. Affected: yes.

Literature cited by the submitters: PubMed 37944684 (cited by Labcorp Genetics (formerly Invitae), Labcorp).

NM_002582.4(PARN):c.1785T>G (p.Asp595Glu)

Gene: PARN (poly(A)-specific ribonuclease; minus strand). Cytogenetic location: 16p13.12.
Variant type: single nucleotide variant.
Coding change: c.1785T>G on transcript NM_002582.4 (MANE Select); coding-DNA position 1785, T replaced by G.
Protein change: p.Asp595Glu; replaces aspartic acid 595 with glutamic acid.
Molecular consequence: missense variant.
Genome position (GRCh38, 1-based): chr16:14,446,967, A>C on the plus strand (T>G on the coding strand, the complement: PARN is on the minus strand). VCF-style: chr16-14446967-A-C. GRCh37 (hg19) VCF-style: chr16-14540824-A-C.
Other names: c.1785T>G, p.Asp595Glu (LRG_1286t1); c.1602T>G, p.Asp534Glu (NM_001134477.3); c.1647T>G, p.Asp549Glu (NM_001242992.2); short protein forms D595E, D549E, D534E.
Identifiers: ClinVar variation 581798 (VCV000581798.19), dbSNP rs200434143, ClinGen allele CA7911929.
Genomic context (GRCh38, chr16:14,446,967, plus strand): 5'-CTTCATTCTTTTTAATTTCTTGGCCTTTTTCCTTCCCTCTGAGAGGGGCTCTGCACAGGA[A>C]TCGGTCTGCTCAAGCTCAGTGTCGGAAATCTCCCCTGACACTCCGTCCTCCAGGCCAGCT-3'
Protein context (NP_002573.1, residues 585-605): EISDTELEQT[Asp595Glu]SCAEPLSEGR